The following is an entry in ClinVar:

ClinVar aggregate classification (germline): Uncertain significance (1 of 4 stars; one submission).

Conditions:
Familial thoracic aortic aneurysm and aortic dissection (TAAD). Also called: Thoracic aortic aneurysms and dissections. Identifiers: Orphanet 91387, MedGen C4707243, MONDO:0019625.

Submission:

Ambry Genetics
Classification: Uncertain significance for Familial thoracic aortic aneurysm and aortic dissection. Last evaluated: 2024-06-17. Review status: criteria provided, single submitter. Criteria: Ambry Variant Classification Scheme 2023. Collection method: clinical testing. Allele origin: germline.
Comment: The p.S115Y variant (also known as c.344C>A), located in coding exon 2 of the SLC2A10 gene, results from a C to A substitution at nucleotide position 344. The serine at codon 115 is replaced by tyrosine, an amino acid with dissimilar properties. This amino acid position is conserved. In addition, this alteration is predicted to be deleterious by in silico analysis. Based on the available evidence, the clinical significance of this variant remains unclear.

NM_030777.4(SLC2A10):c.344C>A (p.Ser115Tyr)

Gene: SLC2A10 (solute carrier family 2 member 10; plus strand). Cytogenetic location: 20q13.12.
Variant type: single nucleotide variant.
Coding change: c.344C>A on transcript NM_030777.4 (MANE Select); coding-DNA position 344, C replaced by A.
Protein change: p.Ser115Tyr; replaces serine 115 with tyrosine.
Molecular consequence: missense variant.
Genome position (GRCh38, 1-based): chr20:46,725,380, C>A. VCF-style: chr20-46725380-C-A. GRCh37 (hg19) VCF-style: chr20-45354019-C-A.
Other names: short protein forms S115Y.
Identifiers: ClinVar variation 3319436 (VCV003319436.1).